The following is an entry in ClinVar:

NM_004415.2(DSP):c.-566G>A

Genes: DSP (desmoplakin; plus strand), DSP-AS1 (DSP antisense RNA 1; minus strand). Cytogenetic location: 6p24.3.
Variant type: single nucleotide variant.
Coding change: c.-566G>A on transcript NM_004415.2; 566 bases upstream of the start codon, G replaced by A.
Molecular consequence: non-coding transcript variant (on NR_183327.1).
Genome position (GRCh38, 1-based): chr6:7,541,350, G>A. VCF-style: chr6-7541350-G-A. GRCh37 (hg19) VCF-style: chr6-7541583-G-A.
Identifiers: ClinVar variation 669423 (VCV000669423.3), dbSNP rs9505227, ClinGen allele CA133979297.
Genomic context (GRCh38, chr6:7,541,350, plus strand): 5'-CGGGGACCGAGGAAATCCTCAAAAGCCGGGCCACGCATTCCCAGCCCGAGAGGCCCCAGC[G>A]CAGAGCGCAGCAGCCCCCGCGAGCGCAGGTCCTCCCCGCGGTGGCTTCGCCCAGGGCGCT-3'

ClinVar aggregate classification (germline): Benign (1 of 4 stars; one submission).

Allele frequency attached by ClinVar (database versions not stated): TOPMed 0.05510; 1000 Genomes Project 30x 0.05512; gnomAD exomes 0.02143; gnomAD 0.05106 and 0.04774; 1000 Genomes Project 0.05252.

Submission:

GeneDx
Classification: Benign. Last evaluated: 2018-06-14. Review status: criteria provided, single submitter. Criteria: GeneDx Variant Classification (06012015). Collection method: clinical testing. Allele origin: germline. Affected: yes.
Comment: This variant is considered likely benign or benign based on one or more of the following criteria: it is a conservative change, it occurs at a poorly conserved position in the protein, it is predicted to be benign by multiple in silico algorithms, and/or has population frequency not consistent with disease.